The following is an entry in ClinVar:

ClinVar aggregate classification (germline): Uncertain significance (1 of 4 stars; one submission).

Submission:

GeneDx
Classification: Uncertain significance. Last evaluated: 2023-02-24. Review status: criteria provided, single submitter. Criteria: GeneDx Variant Classification Process June 2021. Collection method: clinical testing. Allele origin: germline. Affected: yes.
Comment: Not observed at significant frequency in large population cohorts (gnomAD); In silico analysis supports that this missense variant does not alter protein structure/function; Has not been previously published as pathogenic or benign to our knowledge

NM_017934.7(PHIP):c.1983A>C (p.Glu661Asp)

Gene: PHIP (PHIP subunit of CUL4-Ring ligase complex; minus strand). Cytogenetic location: 6q14.1.
Variant type: single nucleotide variant.
Coding change: c.1983A>C on transcript NM_017934.7 (MANE Select); coding-DNA position 1983, A replaced by C.
Protein change: p.Glu661Asp; replaces glutamic acid 661 with aspartic acid.
Molecular consequence: missense variant.
Genome position (GRCh38, 1-based): chr6:78,998,288, T>G on the plus strand (A>C on the coding strand, the complement: PHIP is on the minus strand). VCF-style: chr6-78998288-T-G. GRCh37 (hg19) VCF-style: chr6-79708005-T-G.
Other names: short protein forms E661D.
Identifiers: ClinVar variation 2577759 (VCV002577759.1), dbSNP rs2482046288, ClinGen allele CA364630735.